The following continues an entry in ClinVar:

NM_007294.4(BRCA1):c.5332+4A>G

Gene: BRCA1. ClinVar aggregate classification (germline): Conflicting classifications of pathogenicity. Likely pathogenic (1); Uncertain significance (7); Likely benign (1).

Submissions 6 to 12 of 12:

Color Diagnostics, LLC DBA Color Health
Classification: Uncertain significance for Hereditary cancer-predisposing syndrome. Last evaluated: 2023-08-14. Review status: criteria provided, single submitter. Criteria: ACMG Guidelines, 2015. Collection method: clinical testing. Allele origin: germline.
Comment: This variant causes an A to G nucleotide substitution at the +4 position of intron 20 of the BRCA1 gene. This variant is also known as IVS21+4A>G according to the BIC nomenclature. Splice prediction tools suggest that this variant is unlikely to affect splicing. An RT-PCR study using RNA derived from a carrier individual has reported that this variant may cause out-of-frame skipping of exon 20 (PMID: 31143303). However, the study did not show if the aberration was complete or partial and was unable to draw any conclusion about pathogenicity of this variant. A functional study that requires splicing of variant transcript has reported that this variant does not impact BRCA1 function in a haploid cell proliferation assay (PMID: 30209399). This variant has been reported in an individual affected with or at risk of breast cancer (PMID: 22762150). This variant has been identified in 4/251334 chromosomes in the general population by the Genome Aggregation Database (gnomAD). The available evidence is insufficient to determine the role of this variant in disease conclusively. Therefore, this variant is classified as a Variant of Uncertain Significance.

Baylor Genetics
Classification: Likely pathogenic for Breast-ovarian cancer, familial, susceptibility to, 1. Last evaluated: 2023-02-16. Review status: criteria provided, single submitter. Criteria: ACMG Guidelines, 2015. Collection method: clinical testing. Allele origin: unknown.

Blueprint Genetics
Classification: Uncertain significance. Last evaluated: 2021-11-18. Review status: criteria provided, single submitter. Criteria: ACMG Guidelines, 2015. Collection method: clinical testing. Allele origin: germline.

GeneDx
Classification: Uncertain significance. Last evaluated: 2014-07-16. Review status: criteria provided, single submitter. Criteria: GeneDx Variant Classification (06012015). Collection method: clinical testing. Allele origin: germline. Affected: yes.
Comment: This variant is denoted BRCA1 c.5332+4A>G or IVS20+4A>G and consists of an A>G nucleotide substitution at the +4 position of intron 20 of the BRCA1 gene. Multiple in silico models predict this variant to weaken the nearby natural donor site, and to possibly cause abnormal gene splicing. This variant, also known as IVS21+4A>G using alternate nomenclature, has been observed in an individual with a history suggestive of Hereditary Breast and Ovarian Cancer syndrome (Lecarpentier 2012) BRCA1 c.5332+4A>G was not observed in approximately 6,500 individuals of European and African American ancestry in the NHLBI Exome Sequencing Project, indicating it is not a common benign variant in these populations. The adenine (A) nucleotide that is altered is well conserved across species. Based on currently available information, it is unclear whether BRCA1 c.5332+4A>G is pathogenic or benign. We consider it to be a variant of uncertain significance.

BRCAlab, Lund University
Classification: Uncertain significance for Breast-ovarian cancer, familial, susceptibility to, 1. Last evaluated: 2020-03-02. Review status: no assertion criteria provided. Collection method: clinical testing. Allele origin: germline. Affected: yes. Not counted in ClinVar's aggregate classification.

Breast Cancer Information Core (BIC) (BRCA1)
Classification: Uncertain significance for Breast-ovarian cancer, familial 1. Last evaluated: 2004-11-25. Review status: no assertion criteria provided. Collection method: clinical testing. Allele origin: germline. Affected: yes. Observed: 1 variant allele. Not counted in ClinVar's aggregate classification.

Brotman Baty Institute, University of Washington
No classification provided (evidence only). Condition: Breast-ovarian cancer, familial 1. Review status: no classification provided. Collection method: in vitro. Allele origin: not applicable. Functional consequence: functionally_normal. Not counted in ClinVar's aggregate classification.
ClinVar note: "not provided" was previously submitted as the classification for the variant. However, the classification appeared to be based only on an observation of functional data so it was converted to no classification on 2025-07-30.

Literature cited by the submitters: PubMed 22762150 (cited by 5 submitters); PubMed 29446198 (cited by 3 submitters); PubMed 34981296 (cited by Labcorp Genetics (formerly Invitae), Labcorp); PubMed 17576681 (cited by Labcorp Genetics (formerly Invitae), Labcorp); PubMed 9536098 (cited by Labcorp Genetics (formerly Invitae), Labcorp); PubMed 30209399 (cited by 4 submitters); PubMed 31143303 (cited by 4 submitters); PubMed 34793697 (cited by Quest Diagnostics Nichols Institute San Juan Capistrano and Lupski Lab, Baylor-Hopkins CMG, Baylor College of Medicine); PubMed 39142283 (cited by Lupski Lab, Baylor-Hopkins CMG, Baylor College of Medicine); DOI 10.1101/2024.04.11.24305690 (cited by Lupski Lab, Baylor-Hopkins CMG, Baylor College of Medicine).